The following is an entry in ClinVar:

ClinVar aggregate classification (germline): Likely benign. Review status: criteria provided, multiple submitters, no conflicts (2 of 4 stars). 2 submissions from 2 submitters: Likely benign (2). Last evaluated 2024-12-18.

Conditions:
EPG5-related disorder. Also called: EPG5-related condition. Identifiers: MedGen CN381528.
Vici syndrome (VICIS). Identifiers: Orphanet 1493, MedGen C1855772, MONDO:0009452, OMIM 242840.

Submissions (2):

Labcorp Genetics (formerly Invitae), Labcorp
Classification: Likely benign for Vici syndrome. Last evaluated: 2024-12-18. Review status: criteria provided, single submitter. Criteria: Invitae Variant Classification Sherloc (09022015). Collection method: clinical testing. Allele origin: germline.

PreventionGenetics, part of Exact Sciences
Classification: Likely benign for EPG5-related condition. Last evaluated: 2024-11-25. Review status: criteria provided, single submitter. Criteria: ACMG Guidelines, 2015. Collection method: clinical testing. Allele origin: germline.
Comment: This variant is classified as likely benign based on ACMG/AMP sequence variant interpretation guidelines (Richards et al. 2015 PMID: 25741868, with internal and published modifications).

NM_020964.3(EPG5):c.6591T>C (p.Leu2197=)

Gene: EPG5 (ectopic P-granules 5 autophagy tethering factor; minus strand). Cytogenetic location: 18q12.3.
Variant type: single nucleotide variant.
Coding change: c.6591T>C on transcript NM_020964.3 (MANE Select); coding-DNA position 6591, T replaced by C.
Protein change: p.Leu2197=; no amino-acid change (leucine 2197 retained).
Molecular consequence: synonymous variant.
Genome position (GRCh38, 1-based): chr18:45,866,828, A>G on the plus strand (T>C on the coding strand, the complement: EPG5 is on the minus strand). VCF-style: chr18-45866828-A-G. GRCh37 (hg19) VCF-style: chr18-43446793-A-G.
Other names: c.6591T>C (NM_020964.2); c.6591T>C, p.Leu2197= (NM_001410858.1); c.6588T>C, p.Leu2196= (NM_001410859.1).
Identifiers: ClinVar variation 3714166 (VCV003714166.3).